The following is an entry in ClinVar:

ClinVar aggregate classification (germline): Uncertain significance. Review status: criteria provided, multiple submitters, no conflicts (2 of 4 stars). 2 submissions from 2 submitters: Uncertain significance (2). Last evaluated 2023-11-27.

Conditions:
Kindler syndrome (KNDLRS). Also called: Poikiloderma of Kindler; Congenital bullous poikiloderma; BULLOUS ACROKERATOTIC POIKILODERMA OF KINDLER AND WEARY; POIKILODERMA, CONGENITAL, WITH BULLAE, WEARY TYPE; POIKILODERMA, HEREDITARY ACROKERATOTIC; Hereditary acrokeratotic poikiloderma of Weary. Identifiers: Orphanet 2908, Orphanet 306539, MedGen C0406557, MONDO:0008260, OMIM 173650.

Allele frequency attached by ClinVar (database versions not stated): gnomAD 0.00001; gnomAD exomes 0.00001; TOPMed 0.00001.
gnomAD v4.1: 13 of 1,567,902 alleles (0.00083%); highest among the groups gnomAD compares: Non-Finnish European, 0.0011%; no homozygotes.

Submissions (2):

Labcorp Genetics (formerly Invitae), Labcorp
Classification: Uncertain significance. Last evaluated: 2023-11-27. Review status: criteria provided, single submitter. Criteria: Invitae Variant Classification Sherloc (09022015). Collection method: clinical testing. Allele origin: germline.
Comment: This sequence change replaces aspartic acid, which is acidic and polar, with asparagine, which is neutral and polar, at codon 456 of the FERMT1 protein (p.Asp456Asn). This variant is not present in population databases (gnomAD no frequency). This variant has not been reported in the literature in individuals affected with FERMT1-related conditions. ClinVar contains an entry for this variant (Variation ID: 897838). Advanced modeling of protein sequence and biophysical properties (such as structural, functional, and spatial information, amino acid conservation, physicochemical variation, residue mobility, and thermodynamic stability) performed at Invitae indicates that this missense variant is not expected to disrupt FERMT1 protein function with a negative predictive value of 80%. In summary, the available evidence is currently insufficient to determine the role of this variant in disease. Therefore, it has been classified as a Variant of Uncertain Significance.

Illumina Laboratory Services, Illumina
Classification: Uncertain significance for Kindler syndrome. Last evaluated: 2017-04-28. Review status: criteria provided, single submitter. Criteria: ICSL Variant Classification Criteria 13 December 2019. Collection method: clinical testing. Allele origin: germline.

NM_017671.5(FERMT1):c.1366G>A (p.Asp456Asn)

Gene: FERMT1 (FERM domain containing kindlin 1; minus strand). Cytogenetic location: 20p12.3.
Variant type: single nucleotide variant.
Coding change: c.1366G>A on transcript NM_017671.5 (MANE Select); coding-DNA position 1366, G replaced by A.
Protein change: p.Asp456Asn; replaces aspartic acid 456 with asparagine.
Molecular consequence: missense variant.
Genome position (GRCh38, 1-based): chr20:6,087,782, C>T on the plus strand (G>A on the coding strand, the complement: FERMT1 is on the minus strand). VCF-style: chr20-6087782-C-T. GRCh37 (hg19) VCF-style: chr20-6068429-C-T.
Other names: short protein forms D456N.
Identifiers: ClinVar variation 897838 (VCV000897838.8), dbSNP rs1237569168, ClinGen allele CA408179682.